The following is an entry in ClinVar:

ClinVar aggregate classification (germline): Uncertain significance. Review status: criteria provided, multiple submitters, no conflicts (2 of 4 stars). 3 submissions from 3 submitters: Uncertain significance (3). Last evaluated 2026-10-14.

Conditions:
Autosomal dominant familial hematuria-retinal arteriolar tortuosity-contractures syndrome. Also called: Angiopathy, hereditary, with nephropathy, aneurysms, and muscle cramps; Hereditary Angiopathy with Nephropathy, Aneurysms, and Muscle Cramps (HANAC) Syndrome. Identifiers: Orphanet 73229, MedGen C2673195, MONDO:0012726, OMIM 611773.
Brain small vessel disease 1 with or without ocular anomalies (BSVD1). Also called: Brain small vessel disease with or without ocular anomalies; BRAIN SMALL VESSEL DISEASE WITH HEMORRHAGE; PORENCEPHALY, TYPE 1, AUTOSOMAL DOMINANT; GOULD SYNDROME 1. Identifiers: Orphanet 2940, Orphanet 36383, Orphanet 99810, MedGen C4755307, MONDO:0008289, OMIM 175780.
Hemorrhage, intracerebral, susceptibility to (ICH). Also called: Stroke, hemorrhagic, susceptibility to. Identifiers: MedGen C3281105, MONDO:0100533, OMIM 614519.
Retinal arterial tortuosity. Also called: RETINAL HEMORRHAGE WITH VASCULAR TORTUOSITY; Retinal arteries, tortuosity of. Identifiers: Orphanet 75326, MedGen C0423401, MONDO:0008373, OMIM 180000, HP:0000631.
Microangiopathy and leukoencephalopathy, pontine, autosomal dominant. Also called: DEMENTIA, HEREDITARY MULTI-INFARCT, SWEDISH TYPE; Pontine autosomal dominant microangiopathy with leukoencephalopathy. Identifiers: Orphanet 477749, MedGen C5231411, MONDO:0032814, OMIM 618564.

Allele frequency attached by ClinVar (database versions not stated): gnomAD 0.00004 and 0.00003; TOPMed 0.00010.
gnomAD v4.1: 8 of 1,614,020 alleles (0.0005%); highest among the groups gnomAD compares: Admixed American, 0.01%; no homozygotes.

Submissions (3):

GeneDx
Classification: Uncertain significance. Last evaluated: 2026-10-14. Review status: criteria provided, single submitter. Criteria: GeneDx Variant Classification Process June 2021. Collection method: clinical testing. Allele origin: germline.
Comment: Has not been previously published as pathogenic or benign to our knowledge; Not observed at significant frequency in large population cohorts (gnomAD); In silico analysis is inconclusive as to whether the variant alters gene splicing. In the absence of RNA/functional studies, the actual effect of this sequence change is unknown.

Labcorp Genetics (formerly Invitae), Labcorp
Classification: Uncertain significance. Last evaluated: 2025-05-04. Review status: criteria provided, single submitter. Criteria: Invitae Variant Classification Sherloc (09022015). Collection method: clinical testing. Allele origin: germline.
Comment: This sequence change falls in intron 15 of the COL4A1 gene. It does not directly change the encoded amino acid sequence of the COL4A1 protein. It affects a nucleotide within the consensus splice site. This variant is not present in population databases (gnomAD no frequency). This variant has not been reported in the literature in individuals affected with COL4A1-related conditions. ClinVar contains an entry for this variant (Variation ID: 1399529). Variants that disrupt the consensus splice site are a relatively common cause of aberrant splicing (PMID: 17576681, 9536098). Algorithms developed to predict the effect of sequence changes on RNA splicing suggest that this variant may disrupt the consensus splice site. In summary, the available evidence is currently insufficient to determine the role of this variant in disease. Therefore, it has been classified as a Variant of Uncertain Significance.

Fulgent Genetics
Classification: Uncertain significance for Brain small vessel disease 1 with or without ocular anomalies; Retinal arterial tortuosity; Autosomal dominant familial hematuria-retinal arteriolar tortuosity-contractures syndrome; Hemorrhage, intracerebral, susceptibility to; Microangiopathy and leukoencephalopathy, pontine, autosomal dominant. Last evaluated: 2022-03-08. Review status: criteria provided, single submitter. Criteria: ACMG Guidelines, 2015. Collection method: clinical testing. Allele origin: unknown.

Literature cited by the submitters: PubMed 17576681 (cited by Labcorp Genetics (formerly Invitae), Labcorp); PubMed 9536098 (cited by Labcorp Genetics (formerly Invitae), Labcorp).

NM_001845.6(COL4A1):c.858+4A>T

Gene: COL4A1 (collagen type IV alpha 1 chain; minus strand). Cytogenetic location: 13q34.
Variant type: single nucleotide variant.
Coding change: c.858+4A>T on transcript NM_001845.6 (MANE Select); 4 bases into the intron after coding-DNA position 858, A replaced by T.
Molecular consequence: intron variant.
Genome position (GRCh38, 1-based): chr13:110,206,661, T>A on the plus strand (A>T on the coding strand, the complement: COL4A1 is on the minus strand). VCF-style: chr13-110206661-T-A. GRCh37 (hg19) VCF-style: chr13-110859008-T-A.
Other names: c.858+4A>T (NM_001303110.2).
Identifiers: ClinVar variation 1399529 (VCV001399529.9), dbSNP rs916106593, ClinGen allele CA256286475.